The following is an entry in ClinVar:

NM_001374828.1(ARID1B):c.4808del (p.Gly1603fs)

Gene: ARID1B (AT-rich interaction domain 1B; plus strand). Cytogenetic location: 6q25.3.
Variant type: Deletion.
Coding change: c.4808del on transcript NM_001374828.1 (MANE Select); coding-DNA position 4808, one base deleted (G; older notation c.4808delG).
Protein change: p.Gly1603fs; shifts the reading frame from glycine 1603.
Molecular consequence: frameshift variant.
Genome position (GRCh38, 1-based): chr6:157,201,033, G deleted; the last of 3 consecutive G bases (chr6:157,201,031-157,201,033); deleting any one gives the same sequence. VCF-style (leftmost placement, unchanged base first): chr6-157201030-AG-A. GRCh37 (hg19) VCF-style: chr6-157522164-AG-A.
Other names: c.2309del, p.Gly770fs (NM_001363725.2); c.4688del, p.Gly1563fs (NM_001371656.1, NM_001374820.1); c.4649del, p.Gly1550fs (NM_017519.3); short protein forms G1550fs, G1563fs, G1603fs, G770fs.
Identifiers: ClinVar variation 1333545 (VCV001333545.1), dbSNP rs2128374043, ClinGen allele CA2573052629.

ClinVar aggregate classification (germline): Likely pathogenic (1 of 4 stars; one submission).

Conditions:
Coffin-Siris syndrome 1 (CSS1). Also called: Mental retardation, autosomal dominant 12; ARID1B-Related Coffin-Siris Syndrome. Identifiers: Orphanet 1465, MedGen C3281201, MONDO:0007617, OMIM 135900. Disease mechanism: gain of function.

Submission:

3billion
Classification: Likely pathogenic for Coffin-Siris syndrome 1. Last evaluated: 2022-01-03. Review status: criteria provided, single submitter. Criteria: ACMG Guidelines, 2015. Collection method: clinical testing. Allele origin: germline. Affected: yes. Observed: 1 heterozygote.
Comment: Frameshift: predicted to result in a loss or disruption of normal protein function through nonsense-mediated decay (NMD) or protein truncation. Multiple pathogenic variants are reported downstream of the variant (PVS1_VS). It is not observed in the gnomAD v2.1.1 dataset (PM2_M). Therefore, this variant is classified as likely pathogenic according to the recommendation of ACMG/AMP guideline.